The following is an entry in ClinVar:

ClinVar aggregate classification (germline): Uncertain significance (1 of 4 stars; one submission).

Allele frequency attached by ClinVar (database versions not stated): TOPMed 0.00004; gnomAD exomes below 0.00001 and 0.00001; ExAC 0.00001; gnomAD 0.00003; 1000 Genomes Project 0.00020; 1000 Genomes Project 30x 0.00031; ESP Exome Variant Server 0.00008.
gnomAD v4.1: 7 of 1,614,198 alleles (0.00043%); highest among the groups gnomAD compares: African/African-American, 0.008%; no homozygotes.

Submission:

Labcorp Genetics (formerly Invitae), Labcorp
Classification: Uncertain significance. Last evaluated: 2025-05-04. Review status: criteria provided, single submitter. Criteria: Invitae Variant Classification Sherloc (09022015). Collection method: clinical testing. Allele origin: germline.
Comment: This sequence change replaces aspartic acid, which is acidic and polar, with histidine, which is basic and polar, at codon 376 of the CLUAP1 protein (p.Asp376His). This variant is present in population databases (rs149074675, gnomAD 0.02%). This variant has not been reported in the literature in individuals affected with CLUAP1-related conditions. ClinVar contains an entry for this variant (Variation ID: 1377683). Invitae Evidence Modeling of protein sequence and biophysical properties (such as structural, functional, and spatial information, amino acid conservation, physicochemical variation, residue mobility, and thermodynamic stability) indicates that this missense variant is not expected to disrupt CLUAP1 protein function with a negative predictive value of 80%. In summary, the available evidence is currently insufficient to determine the role of this variant in disease. Therefore, it has been classified as a Variant of Uncertain Significance.

NM_015041.3(CLUAP1):c.1126G>C (p.Asp376His)

Gene: CLUAP1 (clusterin associated protein 1; plus strand). Cytogenetic location: 16p13.3.
Variant type: single nucleotide variant.
Coding change: c.1126G>C on transcript NM_015041.3 (MANE Select); coding-DNA position 1126, G replaced by C.
Protein change: p.Asp376His; replaces aspartic acid 376 with histidine.
Molecular consequence: missense variant.
Genome position (GRCh38, 1-based): chr16:3,536,155, G>C. VCF-style: chr16-3536155-G-C. GRCh37 (hg19) VCF-style: chr16-3586155-G-C.
Other names: c.1183G>C, p.Asp395His (NM_001330454.2); c.628G>C, p.Asp210His (NM_024793.3); short protein forms D210H, D376H, D395H.
Identifiers: ClinVar variation 1377683 (VCV001377683.6), dbSNP rs149074675, ClinGen allele CA7864050.